The following is an entry in ClinVar:

NM_005359.6(SMAD4):c.1468A>G (p.Ile490Val)

Gene: SMAD4 (SMAD family member 4; plus strand). Cytogenetic location: 18q21.2.
Variant type: single nucleotide variant.
Coding change: c.1468A>G on transcript NM_005359.6 (MANE Select); coding-DNA position 1468, A replaced by G.
Protein change: p.Ile490Val; replaces isoleucine 490 with valine.
Molecular consequence: missense variant.
Genome position (GRCh38, 1-based): chr18:51,078,276, A>G. VCF-style: chr18-51078276-A-G. GRCh37 (hg19) VCF-style: chr18-48604646-A-G.
Other names: c.1468A>G, p.Ile490Val (NM_001407041.1, NM_001407042.1); short protein forms I490V.
Identifiers: ClinVar variation 1773292 (VCV001773292.5), dbSNP rs2144478073, ClinGen allele CA402465702.

ClinVar aggregate classification (germline): Uncertain significance. Review status: criteria provided, multiple submitters, no conflicts (2 of 4 stars). 2 submissions from 2 submitters: Uncertain significance (2). Last evaluated 2023-11-24.

Conditions:
Juvenile polyposis syndrome (JPS). Identifiers: Orphanet 2929, MedGen C0345893, MONDO:0017380, OMIM 174900.
Hereditary cancer-predisposing syndrome. Also called: Tumor predisposition; Neoplastic Syndromes, Hereditary; Hereditary Cancer Syndrome; Hereditary neoplastic syndrome. Identifiers: Orphanet 140162, MedGen C0027672, MeSH D009386, MONDO:0015356.
Familial thoracic aortic aneurysm and aortic dissection (TAAD). Also called: Thoracic aortic aneurysms and dissections. Identifiers: Orphanet 91387, MedGen C4707243, MONDO:0019625.

Submissions (2):

Labcorp Genetics (formerly Invitae), Labcorp
Classification: Uncertain significance for Juvenile polyposis syndrome. Last evaluated: 2023-11-24. Review status: criteria provided, single submitter. Criteria: Invitae Variant Classification Sherloc (09022015). Collection method: clinical testing. Allele origin: germline.
Comment: This sequence change replaces isoleucine, which is neutral and non-polar, with valine, which is neutral and non-polar, at codon 490 of the SMAD4 protein (p.Ile490Val). This variant is not present in population databases (gnomAD no frequency). This variant has not been reported in the literature in individuals affected with SMAD4-related conditions. ClinVar contains an entry for this variant (Variation ID: 1773292). Advanced modeling of protein sequence and biophysical properties (such as structural, functional, and spatial information, amino acid conservation, physicochemical variation, residue mobility, and thermodynamic stability) has been performed at Invitae for this missense variant, however the output from this modeling did not meet the statistical confidence thresholds required to predict the impact of this variant on SMAD4 protein function. In summary, the available evidence is currently insufficient to determine the role of this variant in disease. Therefore, it has been classified as a Variant of Uncertain Significance.

Ambry Genetics
Classification: Uncertain significance for Hereditary cancer-predisposing syndrome; Familial thoracic aortic aneurysm and aortic dissection. Last evaluated: 2021-03-08. Review status: criteria provided, single submitter. Criteria: Ambry Variant Classification Scheme 2023. Collection method: clinical testing. Allele origin: germline.
Comment: The p.I490V variant (also known as c.1468A>G), located in coding exon 11 of the SMAD4 gene, results from an A to G substitution at nucleotide position 1468. The isoleucine at codon 490 is replaced by valine, an amino acid with highly similar properties. This amino acid position is highly conserved in available vertebrate species. In addition, the in silico prediction for this alteration is inconclusive. Since supporting evidence is limited at this time, the clinical significance of this alteration remains unclear.